The following is an entry in ClinVar:

ClinVar aggregate classification (germline): Likely benign (1 of 4 stars; one submission).

Submission:

GeneDx
Classification: Likely benign. Last evaluated: 2018-03-16. Review status: criteria provided, single submitter. Criteria: GeneDx Variant Classification (06012015). Collection method: clinical testing. Allele origin: germline. Affected: yes.
Comment: This variant is considered likely benign or benign based on one or more of the following criteria: it is a conservative change, it occurs at a poorly conserved position in the protein, it is predicted to be benign by multiple in silico algorithms, and/or has population frequency not consistent with disease.

NM_001267550.2(TTN):c.32546C>G (p.Pro10849Arg)

Gene: TTN (titin; minus strand). Cytogenetic location: 2q31.2.
Variant type: single nucleotide variant.
Coding change: c.32546C>G on transcript NM_001267550.2 (MANE Select); coding-DNA position 32546, C replaced by G.
Protein change: p.Pro10849Arg; replaces proline 10849 with arginine.
Molecular consequence: missense variant. On other transcripts: intron variant (3).
Genome position (GRCh38, 1-based): chr2:178,684,914, G>C on the plus strand (C>G on the coding strand, the complement: TTN is on the minus strand). VCF-style: chr2-178684914-G-C. GRCh37 (hg19) VCF-style: chr2-179549641-G-C.
Other names: c.31595C>G, p.Pro10532Arg (NM_001256850.1); c.28814C>G, p.Pro9605Arg (NM_133378.4); c.13283-42597C>G (NM_003319.4); c.13859-42597C>G (NM_133437.4); c.13658-42597C>G (NM_133432.3); short protein forms P10532R, P9605R, P10849R.
Identifiers: ClinVar variation 680495 (VCV000680495.1), dbSNP rs1231349762, ClinGen allele CA349547307.